The following is an entry in ClinVar:

NM_017617.5(NOTCH1):c.6180+8C>T

Genes: NOTCH1 (notch receptor 1; minus strand), LOC126860794 (BRD4-independent group 4 enhancer GRCh37_chr9:139392592-139393791; plus strand). Cytogenetic location: 9q34.3.
Variant type: single nucleotide variant.
Coding change: c.6180+8C>T on transcript NM_017617.5 (MANE Select); 8 bases into the intron after coding-DNA position 6180, C replaced by T.
Molecular consequence: intron variant.
Genome position (GRCh38, 1-based): chr9:136,498,891, G>A on the plus strand (C>T on the coding strand, the complement: NOTCH1 is on the minus strand). VCF-style: chr9-136498891-G-A. GRCh37 (hg19) VCF-style: chr9-139393343-G-A.
Other names: c.6180+8C>T (LRG_1122t1).
Identifiers: ClinVar variation 511861 (VCV000511861.7), dbSNP rs769015966, ClinGen allele CA5340000.
Genomic context (GRCh38, chr9:136,498,891, plus strand): 5'-GGTTTGGCCCTCACTTCTCTGTGGATTCAGCCCTCACGTCTCCCCTGGCATCCCAGCCTC[G>A]CGCTCACCCTGTTGTTCTGCATATCTTTGTTAGCCCCGTTCTTCAGGAGCACAACTGCGG-3'

ClinVar aggregate classification (germline): Likely benign. Review status: criteria provided, multiple submitters, no conflicts (2 of 4 stars). 2 submissions from 2 submitters: Likely benign (2). Last evaluated 2025-12-22.

Conditions:
Adams-Oliver syndrome 5 (AOS5). Identifiers: Orphanet 974, MedGen C4014970, MONDO:0014459, OMIM 616028.

Allele frequency attached by ClinVar (database versions not stated): ExAC 0.00002; gnomAD exomes 0.00002 and 0.00006; gnomAD 0.00003; TOPMed 0.00005.

Submissions (2):

Labcorp Genetics (formerly Invitae), Labcorp
Classification: Likely benign for Adams-Oliver syndrome 5. Last evaluated: 2025-12-22. Review status: criteria provided, single submitter. Criteria: Invitae Variant Classification Sherloc (09022015). Collection method: clinical testing. Allele origin: germline.

GeneDx
Classification: Likely benign. Last evaluated: 2017-09-06. Review status: criteria provided, single submitter. Criteria: GeneDx Variant Classification (06012015). Collection method: clinical testing. Allele origin: germline. Affected: yes.
Comment: This variant is considered likely benign or benign based on one or more of the following criteria: it is a conservative change, it occurs at a poorly conserved position in the protein, it is predicted to be benign by multiple in silico algorithms, and/or has population frequency not consistent with disease.